The following is an entry in ClinVar:

ClinVar aggregate classification (germline): Conflicting classifications of pathogenicity. Review status: criteria provided, conflicting classifications (1 of 4 stars). 3 submissions from 3 submitters: Uncertain significance (1); Likely benign (1). 1 of the submissions does not count toward it. Last evaluated 2026-02-02.

Conditions:
Inborn genetic diseases. Identifiers: MedGen C0950123, MeSH D030342.
FOCAD-related disorder. Also called: FOCAD-related condition.

Allele frequency attached by ClinVar (database versions not stated): TOPMed 0.00002; gnomAD 0.00005; ESP Exome Variant Server 0.00008; gnomAD exomes 0.00015; ExAC 0.00036; 1000 Genomes Project 0.00060; 1000 Genomes Project 30x 0.00062.
gnomAD v4.1: 227 of 1,611,408 alleles (0.014%); highest among the groups gnomAD compares: South Asian, 0.24%; 1 homozygote.

Submissions (3):

Labcorp Genetics (formerly Invitae), Labcorp
Classification: Likely benign. Last evaluated: 2026-02-02. Review status: criteria provided, single submitter. Criteria: Invitae Variant Classification Sherloc (09022015). Collection method: clinical testing. Allele origin: germline.

Ambry Genetics
Classification: Uncertain significance for Inborn genetic diseases. Last evaluated: 2025-09-26. Review status: criteria provided, single submitter. Criteria: Ambry Variant Classification Scheme 2023. Collection method: clinical testing. Allele origin: germline.

PreventionGenetics, part of Exact Sciences
Classification: Likely benign for FOCAD-related condition. Last evaluated: 2023-03-29. Review status: no assertion criteria provided. Collection method: clinical testing. Allele origin: germline. Not counted in ClinVar's aggregate classification.
Comment: This variant is classified as likely benign based on ACMG/AMP sequence variant interpretation guidelines (Richards et al. 2015 PMID: 25741868, with internal and published modifications).

NM_001375567.1(FOCAD):c.319C>T (p.His107Tyr)

Gene: FOCAD (focadhesin; plus strand). Cytogenetic location: 9p21.3.
Variant type: single nucleotide variant.
Coding change: c.319C>T on transcript NM_001375567.1 (MANE Select); coding-DNA position 319, C replaced by T.
Protein change: p.His107Tyr; replaces histidine 107 with tyrosine.
Molecular consequence: missense variant. On other transcripts: intron variant (1).
Genome position (GRCh38, 1-based): chr9:20,740,267, C>T. VCF-style: chr9-20740267-C-T. GRCh37 (hg19) VCF-style: chr9-20740266-C-T.
Other names: c.319C>T, p.His107Tyr (NM_001375568.1, NM_017794.5); c.288-17823C>T (NM_001375570.1); c.319C>T (NM_017794.3); short protein forms H107Y.
Identifiers: ClinVar variation 3058420 (VCV003058420.4), dbSNP rs148407192, ClinGen allele CA5006305.